The following is an entry in ClinVar:

ClinVar aggregate classification (germline): Uncertain significance. Review status: criteria provided, multiple submitters, no conflicts (2 of 4 stars). 2 submissions from 2 submitters: Uncertain significance (2). Last evaluated 2025-06-16.

Conditions:
Inborn genetic diseases. Identifiers: MedGen C0950123, MeSH D030342.
Bardet-Biedl syndrome (BBS). Identifiers: Orphanet 110, MedGen C0752166, MONDO:0015229.

Allele frequency attached by ClinVar (database versions not stated): gnomAD 0.00001; TOPMed 0.00001.
gnomAD v4.1: 11 of 1,611,222 alleles (0.00068%); highest among the groups gnomAD compares: African/African-American, 0.0027%; no homozygotes.

Submissions (2):

Ambry Genetics
Classification: Uncertain significance for Inborn genetic diseases. Last evaluated: 2025-06-16. Review status: criteria provided, single submitter. Criteria: Ambry Variant Classification Scheme 2023. Collection method: clinical testing. Allele origin: germline.

Labcorp Genetics (formerly Invitae), Labcorp
Classification: Uncertain significance for Bardet-Biedl syndrome. Last evaluated: 2025-04-17. Review status: criteria provided, single submitter. Criteria: Invitae Variant Classification Sherloc (09022015). Collection method: clinical testing. Allele origin: germline.
Comment: This sequence change replaces proline, which is neutral and non-polar, with threonine, which is neutral and polar, at codon 350 of the BBS10 protein (p.Pro350Thr). This variant is present in population databases (no rsID available, gnomAD 0.0009%). This variant has not been reported in the literature in individuals affected with BBS10-related conditions. ClinVar contains an entry for this variant (Variation ID: 2417952). Invitae Evidence Modeling of protein sequence and biophysical properties (such as structural, functional, and spatial information, amino acid conservation, physicochemical variation, residue mobility, and thermodynamic stability) indicates that this missense variant is expected to disrupt BBS10 protein function with a positive predictive value of 80%. In summary, the available evidence is currently insufficient to determine the role of this variant in disease. Therefore, it has been classified as a Variant of Uncertain Significance.

NM_024685.4(BBS10):c.1048C>A (p.Pro350Thr)

Gene: BBS10 (Bardet-Biedl syndrome 10; minus strand). Cytogenetic location: 12q21.2.
Variant type: single nucleotide variant.
Coding change: c.1048C>A on transcript NM_024685.4 (MANE Select); coding-DNA position 1048, C replaced by A.
Protein change: p.Pro350Thr; replaces proline 350 with threonine.
Molecular consequence: missense variant.
Genome position (GRCh38, 1-based): chr12:76,346,937, G>T on the plus strand (C>A on the coding strand, the complement: BBS10 is on the minus strand). VCF-style: chr12-76346937-G-T. GRCh37 (hg19) VCF-style: chr12-76740717-G-T.
Other names: c.1048C>A (NM_024685.3); short protein forms P350T.
Identifiers: ClinVar variation 2417952 (VCV002417952.4), dbSNP rs1303507089, ClinGen allele CA385813009.